The following is an entry in ClinVar:

NM_001128840.3(CACNA1D):c.6343G>A (p.Ala2115Thr)

Gene: CACNA1D (calcium voltage-gated channel subunit alpha1 D; plus strand). Cytogenetic location: 3p21.1.
Variant type: single nucleotide variant.
Coding change: c.6343G>A on transcript NM_001128840.3 (MANE Select); coding-DNA position 6343, G replaced by A.
Protein change: p.Ala2115Thr; replaces alanine 2115 with threonine.
Molecular consequence: missense variant.
Genome position (GRCh38, 1-based): chr3:53,811,263, G>A. VCF-style: chr3-53811263-G-A. GRCh37 (hg19) VCF-style: chr3-53845290-G-A.
Other names: c.6403G>A, p.Ala2135Thr (NM_000720.4); c.6271G>A, p.Ala2091Thr (NM_001128839.3); short protein forms A2115T, A2135T, A2091T.
Identifiers: ClinVar variation 2124283 (VCV002124283.4), dbSNP rs1411018718, ClinGen allele CA353259282.

ClinVar aggregate classification (germline): Uncertain significance (1 of 4 stars; one submission).

Allele frequency attached by ClinVar (database versions not stated): gnomAD exomes below 0.00001; TOPMed below 0.00001.
gnomAD v4.1: 1 of 1,613,990 alleles (0.000062%); highest among the groups gnomAD compares: African/African-American, 0.0013%; no homozygotes.

Submission:

Labcorp Genetics (formerly Invitae), Labcorp
Classification: Uncertain significance. Last evaluated: 2022-08-22. Review status: criteria provided, single submitter. Criteria: Invitae Variant Classification Sherloc (09022015). Collection method: clinical testing. Allele origin: germline.
Comment: In summary, the available evidence is currently insufficient to determine the role of this variant in disease. Therefore, it has been classified as a Variant of Uncertain Significance. Algorithms developed to predict the effect of missense changes on protein structure and function (SIFT, PolyPhen-2, Align-GVGD) all suggest that this variant is likely to be tolerated. This variant has not been reported in the literature in individuals affected with CACNA1D-related conditions. This variant is present in population databases (no rsID available, gnomAD 0.007%). This sequence change replaces alanine, which is neutral and non-polar, with threonine, which is neutral and polar, at codon 2135 of the CACNA1D protein (p.Ala2135Thr).